The following is an entry in ClinVar:

NM_025103.4(IFT74):c.121-1G>T

Gene: IFT74 (intraflagellar transport 74; plus strand). Cytogenetic location: 9p21.2.
Variant type: single nucleotide variant.
Coding change: c.121-1G>T on transcript NM_025103.4 (MANE Select); the canonical splice acceptor site of the intron before coding-DNA position 121, G replaced by T.
Molecular consequence: splice acceptor variant.
Genome position (GRCh38, 1-based): chr9:26,978,127, G>T. VCF-style: chr9-26978127-G-T. GRCh37 (hg19) VCF-style: chr9-26978125-G-T.
Other names: c.121-1G>T (NM_001099223.3, NM_001099222.3, NM_001349928.2 and 1 more transcripts).
Identifiers: ClinVar variation 1517508 (VCV001517508.6), dbSNP rs1240407435, ClinGen allele CA373123728.
Genomic context (GRCh38, chr9:26,978,127, plus strand): 5'-AATAAAAGATGTACAGTGTTTTTTCTGGTTTACTAAAAATGAAATCTTGTTTGTCATTTA[G>T]ATGCCACCTGGGACAGCAAGACCAGGTTCTCGTGGTTGTCCCATAGGGACTGGTGGAGTT-3'

ClinVar aggregate classification (germline): Likely pathogenic (1 of 4 stars; one submission).

Submission:

Labcorp Genetics (formerly Invitae), Labcorp
Classification: Likely pathogenic. Last evaluated: 2022-02-23. Review status: criteria provided, single submitter. Criteria: Invitae Variant Classification Sherloc (09022015). Collection method: clinical testing. Allele origin: germline.
Comment: This variant has not been reported in the literature in individuals affected with IFT74-related conditions. This variant is not present in population databases (gnomAD no frequency). This sequence change affects an acceptor splice site in intron 2 of the IFT74 gene. It is expected to disrupt RNA splicing. Variants that disrupt the donor or acceptor splice site typically lead to a loss of protein function (PMID: 16199547), and loss-of-function variants in IFT74 are known to be pathogenic (PMID: 33531668). Algorithms developed to predict the effect of sequence changes on RNA splicing suggest that this variant may disrupt the consensus splice site. In summary, the currently available evidence indicates that the variant is pathogenic, but additional data are needed to prove that conclusively. Therefore, this variant has been classified as Likely Pathogenic.

Literature cited by the submitters: PubMed 16199547; PubMed 33531668.